The following is an entry in ClinVar:

NM_001253697.2(ERBIN):c.866T>C (p.Met289Thr)

Gene: ERBIN (erbb2 interacting protein; plus strand). Cytogenetic location: 5q12.3.
Variant type: single nucleotide variant.
Coding change: c.866T>C on transcript NM_001253697.2 (MANE Select); coding-DNA position 866, T replaced by C.
Protein change: p.Met289Thr; replaces methionine 289 with threonine.
Molecular consequence: missense variant.
Genome position (GRCh38, 1-based): chr5:66,025,528, T>C. VCF-style: chr5-66025528-T-C. GRCh37 (hg19) VCF-style: chr5-65321356-T-C.
Other names: c.866T>C, p.Met289Thr (NM_001006600.3, NM_001253698.2, NM_001253699.2 and 2 more transcripts); short protein forms M289T.
Identifiers: ClinVar variation 2757856 (VCV002757856.3), dbSNP rs1756147055, ClinGen allele CA359975107.

ClinVar aggregate classification (germline): Uncertain significance (1 of 4 stars; one submission).

Submission:

Labcorp Genetics (formerly Invitae), Labcorp
Classification: Uncertain significance. Last evaluated: 2023-10-23. Review status: criteria provided, single submitter. Criteria: Invitae Variant Classification Sherloc (09022015). Collection method: clinical testing. Allele origin: germline.
Comment: This sequence change replaces methionine, which is neutral and non-polar, with threonine, which is neutral and polar, at codon 289 of the ERBIN protein (p.Met289Thr). This variant is not present in population databases (gnomAD no frequency). This variant has not been reported in the literature in individuals affected with ERBIN-related conditions. An algorithm developed to predict the effect of missense changes on protein structure and function (PolyPhen-2) suggests that this variant is likely to be tolerated. In summary, the available evidence is currently insufficient to determine the role of this variant in disease. Therefore, it has been classified as a Variant of Uncertain Significance.